The following is an entry in ClinVar:

NM_006946.4(SPTBN2):c.3574-16C>G

Gene: SPTBN2 (spectrin beta, non-erythrocytic 2; minus strand). Cytogenetic location: 11q13.2.
Variant type: single nucleotide variant.
Coding change: c.3574-16C>G on transcript NM_006946.4 (MANE Select); 16 bases into the intron before coding-DNA position 3574, C replaced by G.
Molecular consequence: intron variant.
Genome position (GRCh38, 1-based): chr11:66,699,624, G>C on the plus strand (C>G on the coding strand, the complement: SPTBN2 is on the minus strand). VCF-style: chr11-66699624-G-C. GRCh37 (hg19) VCF-style: chr11-66467095-G-C.
Other names: c.3595-16C>G (NM_001411025.1).
Identifiers: ClinVar variation 3339329 (VCV003339329.1).

ClinVar aggregate classification (germline): Uncertain significance (1 of 4 stars; one submission).

gnomAD v4.1: 4 of 1,613,318 alleles (0.00025%); highest among the groups gnomAD compares: Non-Finnish European, 0.00034%; no homozygotes.

Submission:

Women's Health and Genetics/Laboratory Corporation of America, LabCorp
Classification: Uncertain significance. Last evaluated: 2024-07-26. Review status: criteria provided, single submitter. Criteria: LabCorp Variant Classification Summary - May 2015. Collection method: clinical testing. Allele origin: germline.
Comment: Variant summary: SPTBN2 c.3574-16C>G alters a non-conserved nucleotide located at a position not widely known to affect splicing. Several computational tools predict a significant impact on normal splicing: Two predict the variant weakens a 3' acceptor site. One predict the variant abolishes a 3' acceptor site. One predict the variant no significant impact on splicing. However, these predictions have yet to be confirmed by functional studies. The variant allele was found at a frequency of 4e-06 in 251254 control chromosomes. The available data on variant occurrences in the general population are insufficient to allow any conclusion about variant significance. To our knowledge, no occurrence of c.3574-16C>G in individuals affected with Spinocerebellar Ataxia 5 and no experimental evidence demonstrating its impact on protein function have been reported. No submitters have cited clinical-significance assessments for this variant to ClinVar. Based on the evidence outlined above, the variant was classified as uncertain significance.